The following is an entry in ClinVar:

NM_001394062.1(MACF1):c.22037G>A (p.Arg7346His)

Gene: MACF1 (microtubule actin crosslinking factor 1; plus strand). Cytogenetic location: 1p34.3.
Variant type: single nucleotide variant.
Coding change: c.22037G>A on transcript NM_001394062.1 (MANE Select); coding-DNA position 22037, G replaced by A.
Protein change: p.Arg7346His; replaces arginine 7346 with histidine.
Molecular consequence: missense variant.
Genome position (GRCh38, 1-based): chr1:39,479,876, G>A. VCF-style: chr1-39479876-G-A. GRCh37 (hg19) VCF-style: chr1-39945548-G-A.
Other names: c.10028G>A, p.Arg3343His (NM_001397473.1); c.15773G>A, p.Arg5258His (NM_012090.5); short protein forms R3343H, R7346H, R5258H.
Identifiers: ClinVar variation 4706131 (VCV004706131.1).

ClinVar aggregate classification (germline): Uncertain significance (1 of 4 stars; one submission).

gnomAD v4.1: 27 of 1,614,044 alleles (0.0017%); highest among the groups gnomAD compares: East Asian, 0.0045%; no homozygotes.

Submission:

Labcorp Genetics (formerly Invitae), Labcorp
Classification: Uncertain significance. Last evaluated: 2025-08-15. Review status: criteria provided, single submitter. Criteria: Invitae Variant Classification Sherloc (09022015). Collection method: clinical testing. Allele origin: germline.
Comment: This sequence change replaces arginine, which is basic and polar, with histidine, which is basic and polar, at codon 5258 of the MACF1 protein (p.Arg5258His). This variant is present in population databases (rs763118088, gnomAD 0.005%). This variant has not been reported in the literature in individuals affected with MACF1-related conditions. An algorithm developed to predict the effect of missense changes on protein structure and function (PolyPhen-2) suggests that this variant is likely to be disruptive. In summary, the available evidence is currently insufficient to determine the role of this variant in disease. Therefore, it has been classified as a Variant of Uncertain Significance.